The following is an entry in ClinVar:

NM_052947.4(ALPK2):c.4191A>C (p.Lys1397Asn)

Genes: ALPK2 (alpha kinase 2; minus strand), LOC126862764 (BRD4-independent group 4 enhancer GRCh37_chr18:56202574-56203773; plus strand). Cytogenetic location: 18q21.31.
Variant type: single nucleotide variant.
Coding change: c.4191A>C on transcript NM_052947.4 (MANE Select); coding-DNA position 4191, A replaced by C.
Protein change: p.Lys1397Asn; replaces lysine 1397 with asparagine.
Molecular consequence: missense variant.
Genome position (GRCh38, 1-based): chr18:58,535,996, T>G on the plus strand (A>C on the coding strand, the complement: ALPK2 is on the minus strand). VCF-style: chr18-58535996-T-G. GRCh37 (hg19) VCF-style: chr18-56203228-T-G.
Other names: short protein forms K1397N.
Identifiers: ClinVar variation 3531749 (VCV003531749.1).

ClinVar aggregate classification (germline): Uncertain significance (1 of 4 stars; one submission).

gnomAD v4.1: 1 of 1,614,022 alleles (0.000062%); highest among the groups gnomAD compares: Non-Finnish European, 0.000085%; no homozygotes.

Submission:

Ambry Genetics
Classification: Uncertain significance. Last evaluated: 2024-10-15. Review status: criteria provided, single submitter. Criteria: Ambry Variant Classification Scheme 2023. Collection method: clinical testing. Allele origin: germline.
Comment: The p.K1397N variant (also known as c.4191A>C), located in coding exon 4 of the ALPK2 gene, results from an A to C substitution at nucleotide position 4191. The lysine at codon 1397 is replaced by asparagine, an amino acid with similar properties. This amino acid position is conserved. In addition, this alteration is predicted to be tolerated by in silico analysis. Based on the available evidence, the clinical significance of this variant remains unclear.